The following is an entry in ClinVar:

ClinVar aggregate classification (germline): Uncertain significance (1 of 4 stars; one submission).

Conditions:
Hereditary cancer-predisposing syndrome. Also called: Neoplastic Syndromes, Hereditary; Hereditary Cancer Syndrome; Tumor predisposition; Hereditary neoplastic syndrome. Identifiers: Orphanet 140162, MedGen C0027672, MeSH D009386, MONDO:0015356.

Submission:

Ambry Genetics
Classification: Uncertain significance for Hereditary cancer-predisposing syndrome. Last evaluated: 2025-01-20. Review status: criteria provided, single submitter. Criteria: Ambry Variant Classification Scheme 2023. Collection method: clinical testing. Allele origin: germline.
Comment: The p.S170C variant (also known as c.508A>T), located in coding exon 4 of the SUFU gene, results from an A to T substitution at nucleotide position 508. The serine at codon 170 is replaced by cysteine, an amino acid with dissimilar properties. This amino acid position is conserved. In addition, the in silico prediction for this alteration is inconclusive. Based on the available evidence, the clinical significance of this variant remains unclear.

NM_016169.4(SUFU):c.508A>T (p.Ser170Cys)

Gene: SUFU (SUFU negative regulator of hedgehog signaling; plus strand). Cytogenetic location: 10q24.32.
Variant type: single nucleotide variant.
Coding change: c.508A>T on transcript NM_016169.4 (MANE Select); coding-DNA position 508, A replaced by T.
Protein change: p.Ser170Cys; replaces serine 170 with cysteine.
Molecular consequence: missense variant.
Genome position (GRCh38, 1-based): chr10:102,592,635, A>T. VCF-style: chr10-102592635-A-T. GRCh37 (hg19) VCF-style: chr10-104352392-A-T.
Other names: c.508A>T, p.Ser170Cys (NM_001178133.2); short protein forms S170C.
Identifiers: ClinVar variation 3802895 (VCV003802895.1).